The following is an entry in ClinVar:

ClinVar aggregate classification (germline): Likely benign (0 of 4 stars; one submission).

Conditions:
PLXNA4-related disorder. Also called: PLXNA4-related condition.

Allele frequency attached by ClinVar (database versions not stated): gnomAD exomes 0.00005; TOPMed 0.00005; ExAC 0.00007; gnomAD 0.00007; 1000 Genomes Project 30x 0.00031; 1000 Genomes Project 0.00040.
gnomAD v4.1: 78 of 1,613,948 alleles (0.0048%); highest among the groups gnomAD compares: South Asian, 0.0077%; no homozygotes.

Submission:

PreventionGenetics, part of Exact Sciences
Classification: Likely benign for PLXNA4-related condition. Last evaluated: 2023-06-22. Review status: no assertion criteria provided. Collection method: clinical testing. Allele origin: germline.
Comment: This variant is classified as likely benign based on ACMG/AMP sequence variant interpretation guidelines (Richards et al. 2015 PMID: 25741868, with internal and published modifications).

NM_020911.2(PLXNA4):c.2901C>T (p.Ser967=)

Gene: PLXNA4 (plexin A4; minus strand). Cytogenetic location: 7q32.3.
Variant type: single nucleotide variant.
Coding change: c.2901C>T on transcript NM_020911.2 (MANE Select); coding-DNA position 2901, C replaced by T.
Protein change: p.Ser967=; no amino-acid change (serine 967 retained).
Molecular consequence: synonymous variant.
Genome position (GRCh38, 1-based): chr7:132,187,563, G>A on the plus strand (C>T on the coding strand, the complement: PLXNA4 is on the minus strand). VCF-style: chr7-132187563-G-A. GRCh37 (hg19) VCF-style: chr7-131872322-G-A.
Other names: c.2901C>T, p.Ser967= (NM_001393897.1).
Identifiers: ClinVar variation 3031451 (VCV003031451.2), dbSNP rs540546455, ClinGen allele CA4489657.